The following is an entry in ClinVar:

NM_014915.3(ANKRD26):c.4684G>A (p.Glu1562Lys)

Gene: ANKRD26 (ankyrin repeat domain 26; minus strand). Cytogenetic location: 10p12.1.
Variant type: single nucleotide variant.
Coding change: c.4684G>A on transcript NM_014915.3 (MANE Select); coding-DNA position 4684, G replaced by A.
Protein change: p.Glu1562Lys; replaces glutamic acid 1562 with lysine.
Molecular consequence: missense variant.
Genome position (GRCh38, 1-based): chr10:27,014,534, C>T on the plus strand (G>A on the coding strand, the complement: ANKRD26 is on the minus strand). VCF-style: chr10-27014534-C-T. GRCh37 (hg19) VCF-style: chr10-27303463-C-T.
Other names: c.4681G>A, p.Glu1561Lys (NM_001256053.2); short protein forms E1561K, E1562K.
Identifiers: ClinVar variation 1707277 (VCV001707277.12), dbSNP rs200392387, ClinGen allele CA5447745.

ClinVar aggregate classification (germline): Uncertain significance. Review status: criteria provided, multiple submitters, no conflicts (2 of 4 stars). 4 submissions from 4 submitters: Uncertain significance (4). Last evaluated 2025-10-03.

Conditions:
Thrombocytopenia 2 (THC2). Also called: ANKRD26-Related Thrombocytopenia. Identifiers: Orphanet 268322, MedGen C1861185, MONDO:0008555, OMIM 188000.

Allele frequency attached by ClinVar (database versions not stated): ExAC 0.00003; gnomAD 0.00003; TOPMed 0.00005; 1000 Genomes Project 30x 0.00016; 1000 Genomes Project 0.00020.
gnomAD v4.1: 99 of 1,595,808 alleles (0.0062%); highest among the groups gnomAD compares: Middle Eastern, 0.044%; no homozygotes.

Submissions (4):

Labcorp Genetics (formerly Invitae), Labcorp
Classification: Uncertain significance. Last evaluated: 2025-10-03. Review status: criteria provided, single submitter. Criteria: Invitae Variant Classification Sherloc (09022015). Collection method: clinical testing. Allele origin: germline.
Comment: This sequence change replaces glutamic acid, which is acidic and polar, with lysine, which is basic and polar, at codon 1562 of the ANKRD26 protein (p.Glu1562Lys). This variant is present in population databases (rs200392387, gnomAD 0.01%). This variant has not been reported in the literature in individuals affected with ANKRD26-related conditions. ClinVar contains an entry for this variant (Variation ID: 1707277). An algorithm developed to predict the effect of missense changes on protein structure and function (PolyPhen-2) suggests that this variant is likely to be disruptive. In summary, the available evidence is currently insufficient to determine the role of this variant in disease. Therefore, it has been classified as a Variant of Uncertain Significance.

GeneDx
Classification: Uncertain significance. Last evaluated: 2025-03-05. Review status: criteria provided, single submitter. Criteria: GeneDx Variant Classification Process June 2021. Collection method: clinical testing. Allele origin: germline. Affected: yes.
Comment: In silico analysis supports that this missense variant has a deleterious effect on protein structure/function; Has not been previously published as pathogenic or benign to our knowledge

Blueprint Genetics
Classification: Uncertain significance. Last evaluated: 2024-01-12. Review status: criteria provided, single submitter. Criteria: ACMG Guidelines, 2015. Collection method: clinical testing. Allele origin: germline.

St. Jude Molecular Pathology, St. Jude Children's Research Hospital
Classification: Uncertain significance for Thrombocytopenia 2. Last evaluated: 2022-11-15. Review status: criteria provided, single submitter. Criteria: St. Jude Assertion Criteria 2020. Collection method: clinical testing. Allele origin: germline.
Comment: The ANKRD26 c.4684G>A (p.Glu1562Lys) missense change has a maximum subpopulation frequency of 0.012% in gnomAD v2.1.1. This variant is not located in the 5’ UTR. The in silico tool REVEL predicts a benign effect on protein function, but to our knowledge this prediction has not been confirmed by functional studies. This variant has been reported in the literature in at least one individual with myeloid malignancy (PMID: 31911633). In summary, the evidence currently available is insufficient to determine the clinical significance of this variant. It has therefore been classified as of uncertain significance.